The following is an entry in ClinVar:

NM_020435.4(GJC2):c.231_233del (p.Arg78del)

Gene: GJC2 (gap junction protein gamma 2; plus strand). Cytogenetic location: 1q42.13.
Variant type: Deletion.
Coding change: c.231_233del on transcript NM_020435.4 (MANE Select); coding-DNA positions 231 to 233, 3 bases deleted (GCG; older notation c.231_233delGCG).
Protein change: p.Arg78del; deletes arginine 78.
Molecular consequence: inframe deletion.
Genome position (GRCh38, 1-based): chr1:228,157,989-228,157,991, GCG deleted. VCF-style (leftmost placement, unchanged base first): chr1-228157988-TGCG-T. GRCh37 (hg19) VCF-style: chr1-228345689-TGCG-T.
Other names: short protein forms R78del.
Identifiers: ClinVar variation 2020869 (VCV002020869.4), dbSNP rs2527875503, ClinGen allele CA2580062259.
Genomic context (GRCh38, chr1:228,157,988, plus strand): 5'-ACACGCGGCAGCCAGGCTGCGACAACGTCTGCTATGACGCCTTCGCGCCCCTGTCGCACG[TGCG>T]CTTCTGGGTCTTCCAGATTGTGGTCATCTCCACGCCCTCGGTCATGTACCTGGGCTACGC-3'

ClinVar aggregate classification (germline): Uncertain significance (1 of 4 stars; one submission).

Conditions:
Spastic paraplegia. Identifiers: MedGen C0037772, HP:0001258.

Submission:

Labcorp Genetics (formerly Invitae), Labcorp
Classification: Uncertain significance for Spastic paraplegia. Last evaluated: 2022-10-17. Review status: criteria provided, single submitter. Criteria: Invitae Variant Classification Sherloc (09022015). Collection method: clinical testing. Allele origin: germline.
Comment: This variant, c.231_233del, results in the deletion of 1 amino acid(s) of the GJC2 protein (p.Arg78del), but otherwise preserves the integrity of the reading frame. This variant is not present in population databases (gnomAD no frequency). This variant has not been reported in the literature in individuals affected with GJC2-related conditions. Experimental studies and prediction algorithms are not available or were not evaluated, and the functional significance of this variant is currently unknown. In summary, the available evidence is currently insufficient to determine the role of this variant in disease. Therefore, it has been classified as a Variant of Uncertain Significance.